The following is an entry in ClinVar:

ClinVar aggregate classification (germline): Uncertain significance (1 of 4 stars; one submission).

Conditions:
Developmental and epileptic encephalopathy 94 (DEE94). Also called: CHD2-Related Neurodevelopmental Disorders; Epileptic encephalopathy, childhood-onset. Identifiers: Orphanet 1942, Orphanet 2382, MedGen C3809278, MONDO:0014150, OMIM 615369.

Submission:

Servicio de Genética Del Instituto Nacional de Salud Del Niño, Ministerio de Salud
Classification: Uncertain significance for Developmental and epileptic encephalopathy 94. Last evaluated: 2024-11-18. Review status: criteria provided, single submitter. Criteria: ACMG Guidelines, 2015. Collection method: clinical testing. Allele origin: germline. Inheritance: Autosomal dominant inheritance.
Comment: The variant NM_001271.4:c.4136A>G results in the substitution of lysine with arginine at position 1379 in the protein. Both lysine and arginine are positively charged amino acids, which may suggest that this substitution has a limited impact on the overall charge of the protein. However, the potential effect on protein function or stability should be further evaluated. Based on PM2 (absence from controls or databases), PP3 (in silico prediction suggesting a deleterious effect), and PP2 (observed in a gene with a known functional effect), this variant is classified as uncertain significance

NM_001271.4(CHD2):c.4136A>G (p.Lys1379Arg)

Gene: CHD2 (chromodomain helicase DNA binding protein 2; plus strand). Cytogenetic location: 15q26.1.
Variant type: single nucleotide variant.
Coding change: c.4136A>G on transcript NM_001271.4 (MANE Select); coding-DNA position 4136, A replaced by G.
Protein change: p.Lys1379Arg; replaces lysine 1379 with arginine.
Molecular consequence: missense variant.
Genome position (GRCh38, 1-based): chr15:93,000,639, A>G. VCF-style: chr15-93000639-A-G. GRCh37 (hg19) VCF-style: chr15-93543869-A-G.
Other names: short protein forms K1379R.
Identifiers: ClinVar variation 3381247 (VCV003381247.2).